The following is an entry in ClinVar:

ClinVar aggregate classification (germline): Pathogenic/Likely pathogenic. Review status: criteria provided, multiple submitters, no conflicts (2 of 4 stars). 6 submissions from 6 submitters: Pathogenic (3); Likely pathogenic (1). 2 of the submissions do not count toward it. Last evaluated 2026-04-20.

Conditions:
NRL-related disorder. Also called: NRL-related condition.
Retinitis pigmentosa 27 (RP27). Identifiers: Orphanet 791, MedGen C1834329, MONDO:0013402, OMIM 613750.
Enhanced S-cone syndrome (ESCS). Identifiers: Orphanet 53540, MedGen C1849394, MONDO:0100288, MONDO:0009989.
NRL-related disorders.

Allele frequency attached by ClinVar (database versions not stated): TOPMed below 0.00001; ExAC 0.00001; gnomAD exomes 0.00001.
gnomAD v4.1: 8 of 1,614,194 alleles (0.0005%); highest among the groups gnomAD compares: Non-Finnish European, 0.00051%; no homozygotes.

Submissions (6):

PreventionGenetics, part of Exact Sciences
Classification: Pathogenic for NRL-related condition. Last evaluated: 2026-04-20. Review status: criteria provided, single submitter. Criteria: ACMG Guidelines, 2015. Collection method: clinical testing. Allele origin: germline.
Comment: The NRL c.91C>T variant is predicted to result in premature protein termination (p.Arg31*). The NRL and PABPN1 genes are located ~ 0.8 Mb apart on 14q11.2 and are in linkage disequilibrium (Braverman. 2017. PubMed ID: 28590779). This variant has also been reported in Israeli families with enhanced S-cone syndrome and retinitis pigmentosa (Supp Table 2, Sharon et al. 2020. PubMed ID: 31456290). This variant is reported in 0.0046% of alleles in individuals of European (Finnish) descent in gnomAD. Nonsense variants in NRL are expected to be pathogenic for autosomal recessive disease. This variant is interpreted as pathogenic.

Revvity Omics, Revvity
Classification: Likely pathogenic for Retinitis pigmentosa 27. Last evaluated: 2024-04-24. Review status: criteria provided, single submitter. Criteria: ACMG Guidelines, 2015. Collection method: clinical testing. Allele origin: germline.

Labcorp Genetics (formerly Invitae), Labcorp
Classification: Pathogenic. Last evaluated: 2023-11-27. Review status: criteria provided, single submitter. Criteria: Invitae Variant Classification Sherloc (09022015). Collection method: clinical testing. Allele origin: germline.
Comment: This sequence change creates a premature translational stop signal (p.Arg31*) in the NRL gene. It is expected to result in an absent or disrupted protein product. Loss-of-function variants in NRL are known to be pathogenic (PMID: 11694879, 15591106). This variant is present in population databases (rs762991211, gnomAD 0.004%). This premature translational stop signal has been observed in individual(s) with autosomal recessive NRL-related conditions (PMID: 27732723, 31456290). ClinVar contains an entry for this variant (Variation ID: 369652). Algorithms developed to predict the effect of sequence changes on RNA splicing suggest that this variant may create or strengthen a splice site. For these reasons, this variant has been classified as Pathogenic.

Blueprint Genetics
Classification: Pathogenic for NRL-related disorders. Last evaluated: 2018-10-07. Review status: criteria provided, single submitter. Criteria: ACMG Guidelines, 2015. Collection method: clinical testing. Allele origin: germline. Affected: yes. Observed: 1 variant allele.

Sharon lab, Hadassah-Hebrew University Medical Center
Classification: Pathogenic for Enhanced S-cone syndrome. Last evaluated: 2019-06-23. Review status: no assertion criteria provided. Collection method: research. Allele origin: inherited. Affected: yes. Not counted in ClinVar's aggregate classification.

Rappaport Faculty of Medicine, Technion-Israel Institute of Technology
Classification: Pathogenic for ENHANCED S-CONE SYNDROME 1. Review status: no assertion criteria provided. Collection method: clinical testing. Allele origin: inherited. Inheritance: Autosomal recessive inheritance. Affected: yes. Observed: 1 variant allele, 1 homozygote. Not counted in ClinVar's aggregate classification.

Literature cited by the submitters: PubMed 11694879 (cited by Labcorp Genetics (formerly Invitae), Labcorp); PubMed 15591106 (cited by Labcorp Genetics (formerly Invitae), Labcorp); PubMed 27732723 (cited by Labcorp Genetics (formerly Invitae), Labcorp and Rappaport Faculty of Medicine, Technion-Israel Institute of Technology); PubMed 31456290 (cited by Labcorp Genetics (formerly Invitae), Labcorp).

NM_001354768.3(NRL):c.91C>T (p.Arg31Ter)

Gene: NRL (neural retina leucine zipper; minus strand). Cytogenetic location: 14q11.2.
Variant type: single nucleotide variant.
Coding change: c.91C>T on transcript NM_001354768.3 (MANE Select); coding-DNA position 91, C replaced by T.
Protein change: p.Arg31Ter; replaces arginine 31 with a stop codon.
Molecular consequence: nonsense. On other transcripts: intron variant (1).
Genome position (GRCh38, 1-based): chr14:24,082,758, G>A on the plus strand (C>T on the coding strand, the complement: NRL is on the minus strand). VCF-style: chr14-24082758-G-A. GRCh37 (hg19) VCF-style: chr14-24551967-G-A.
Other names: c.91C>T, p.Arg31Ter (NM_001354769.1, NM_006177.5); c.66+25C>T (NM_001354770.2); short protein forms R31*.
Identifiers: ClinVar variation 369652 (VCV000369652.12), dbSNP rs762991211, ClinGen allele CA7122928.